The following is an entry in ClinVar:

ClinVar aggregate classification (germline): Likely pathogenic (1 of 4 stars; one submission).

Conditions:
Radioulnar synostosis with amegakaryocytic thrombocytopenia 2 (RUSAT2). Also called: RADIOULNAR SYNOSTOSIS AND AMEGAKARYOCYTIC THROMBOCYTOPENIA 2. Identifiers: Orphanet 71289, MedGen C4225221, MONDO:0014758, OMIM 616738.

Submission:

OLLIN Analises Genomicas, OLLIN
Classification: Likely pathogenic for Radioulnar synostosis with amegakaryocytic thrombocytopenia 2. Last evaluated: 2026-01-06. Review status: criteria provided, single submitter. Criteria: ACMG Guidelines 2015 PMID 25741868. Collection method: clinical testing. Allele origin: germline. Affected: yes. Observed: 1 variant allele.
Comment: The frameshift variant (chr3:169115468CT>C), located in exon 8 (of 17), is not reported in the gnomAD v4.1 non-UKB or ClinVar databases, nor has it been found in the scientific literature. This variant promotes a change in the reading frame with subsequent introduction of a premature stop codon, resulting in a truncated protein or mRNA degradation via nonsense-mediated decay (NMD). According to currently available evidence, this variant has been classified as likely pathogenic (PVS1, PM2_P).

NM_004991.4(MECOM):c.2403del (p.Gly802fs)

Gene: MECOM (MDS1 and EVI1 complex locus; minus strand). Cytogenetic location: 3q26.2.
Variant type: Deletion.
Coding change: c.2403del on transcript NM_004991.4 (MANE Select); coding-DNA position 2403, one base deleted (A; older notation c.2403delA).
Protein change: p.Gly802fs; shifts the reading frame from glycine 802.
Molecular consequence: frameshift variant.
Genome position (GRCh38, 1-based): chr3:169,115,469, T deleted on the plus strand (A on the coding strand, the reverse complement: MECOM is on the minus strand); the first of 7 consecutive T bases (chr3:169,115,469-169,115,475); deleting any one gives the same sequence. VCF-style (leftmost placement, unchanged base first): chr3-169115468-CT-C. GRCh37 (hg19) VCF-style: chr3-168833256-CT-C.
Other names: c.2034del, p.Gly679fs (NM_001105077.4); c.1839del, p.Gly614fs (NM_001105078.4, NM_001164000.2, NM_001205194.2 and 4 more transcripts); c.1842del, p.Gly615fs (NM_001163999.2, NM_001366467.2, NM_001366468.2 and 1 more transcripts); c.2403del, p.Gly802fs (NM_001366466.2); c.1431del, p.Gly478fs (NM_001366473.2); c.867del, p.Gly290fs (NM_001366474.2); short protein forms G290fs, G478fs, G614fs, G615fs, G679fs, G802fs.
Identifiers: ClinVar variation 4814141 (VCV004814141.1).